The following is an entry in ClinVar:

NM_000531.6(OTC):c.357T>C (p.Gly119=)

Gene: OTC (ornithine transcarbamylase; plus strand). Cytogenetic location: Xp11.4.
Variant type: single nucleotide variant.
Coding change: c.357T>C on transcript NM_000531.6 (MANE Select); coding-DNA position 357, T replaced by C.
Protein change: p.Gly119=; no amino-acid change (glycine 119 retained).
Molecular consequence: synonymous variant.
Genome position (GRCh38, 1-based): chrX:38,381,400, T>C. VCF-style: chrX-38381400-T-C. GRCh37 (hg19) VCF-style: chrX-38240653-T-C.
Identifiers: ClinVar variation 1150679 (VCV001150679.10), dbSNP rs2068375897, ClinGen allele CA515647005.

ClinVar aggregate classification (germline): Likely benign. Review status: criteria provided, multiple submitters, no conflicts (2 of 4 stars). 2 submissions from 2 submitters: Likely benign (2). Last evaluated 2024-02-22.

Conditions:
Ornithine carbamoyltransferase deficiency (OTCD). Also called: ORNITHINE TRANSCARBAMYLASE DEFICIENCY, HYPERAMMONEMIA DUE TO; Ornithine Carbamoyltransferase Deficiency Disease; ORNITHINE TRANSCARBAMYLASE DEFICIENCY; OTC DEFICIENCY. Identifiers: Orphanet 664, MedGen C0268542, MONDO:0010703, OMIM 311250.

Allele frequency attached by ClinVar (database versions not stated): gnomAD exomes 0.00001.
gnomAD v4.1: 6 of 1,202,937 alleles (0.0005%); highest among the groups gnomAD compares: Middle Eastern, 0.023%; no homozygotes.

Submissions (2):

Labcorp Genetics (formerly Invitae), Labcorp
Classification: Likely benign for Ornithine carbamoyltransferase deficiency. Last evaluated: 2024-02-22. Review status: criteria provided, single submitter. Criteria: Invitae Variant Classification Sherloc (09022015). Collection method: clinical testing. Allele origin: germline.

All of Us Research Program, National Institutes of Health
Classification: Likely benign for Ornithine carbamoyltransferase deficiency. Last evaluated: 2023-03-23. Review status: criteria provided, single submitter. Criteria: ACMG Guidelines, 2015. Collection method: clinical testing. Allele origin: germline. Inheritance: X-linked inheritance. Observed: 1 variant allele, 1 homozygote.
Comment: This study involves interpretation of variants in research participants for the purpose of population health screening. Participant phenotype was not available at the time of variant classification. Additional details can be found in publication PMID: 35346344, PMCID: PMC8962531